The following is an entry in ClinVar:

NM_032043.3(BRIP1):c.3272A>T (p.His1091Leu)

Gene: BRIP1 (BRCA1 interacting DNA helicase 1; minus strand). Cytogenetic location: 17q23.2.
Variant type: single nucleotide variant.
Coding change: c.3272A>T on transcript NM_032043.3 (MANE Select); coding-DNA position 3272, A replaced by T.
Protein change: p.His1091Leu; replaces histidine 1091 with leucine.
Molecular consequence: missense variant.
Genome position (GRCh38, 1-based): chr17:61,683,774, T>A on the plus strand (A>T on the coding strand, the complement: BRIP1 is on the minus strand). VCF-style: chr17-61683774-T-A. GRCh37 (hg19) VCF-style: chr17-59761135-T-A.
Other names: short protein forms H1091L.
Identifiers: ClinVar variation 4842397 (VCV004842397.1).
Genomic context (GRCh38, chr17:61,683,774, plus strand): 5'-TCTTCACTTACTAGAGACAATTCAATGTCTGGATCCAGGGCTTCTTCAGAACAGAGCGGA[T>A]GTTCAGAATGATTTTTTCTAGTAAGGGTGGCATCAATCTTTAATGATGAAATAATGGTTT-3'
Protein context (NP_114432.2, residues 1081-1101): ATLTRKNHSE[His1091Leu]PLCSEEALDP

ClinVar aggregate classification (germline): Uncertain significance (1 of 4 stars; one submission).

Conditions:
Hereditary cancer-predisposing syndrome. Also called: Neoplastic Syndromes, Hereditary; Tumor predisposition; Hereditary Cancer Syndrome; Hereditary neoplastic syndrome. Identifiers: Orphanet 140162, MedGen C0027672, MeSH D009386, MONDO:0015356.

Submission:

Ambry Genetics
Classification: Uncertain significance for Hereditary cancer-predisposing syndrome. Last evaluated: 2025-12-30. Review status: criteria provided, single submitter. Criteria: Ambry Variant Classification Scheme 2023. Collection method: clinical testing. Allele origin: germline.
Comment: The p.H1091L variant (also known as c.3272A>T), located in coding exon 19 of the BRIP1 gene, results from an A to T substitution at nucleotide position 3272. The histidine at codon 1091 is replaced by leucine, an amino acid with similar properties. This amino acid position is conserved. In addition, this alteration is predicted to be tolerated by in silico analysis. Based on the available evidence, the clinical significance of this variant remains unclear.